The following is an entry in ClinVar:

NM_152564.5(VPS13B):c.8042_8043del (p.Gly2681fs)

Gene: VPS13B (vacuolar protein sorting 13 homolog B; plus strand). Cytogenetic location: 8q22.2.
Variant type: Deletion.
Coding change: c.8042_8043del on transcript NM_152564.5 (MANE Select); coding-DNA positions 8042 to 8043, 2 bases deleted (GT; older notation c.8042_8043delGT).
Protein change: p.Gly2681fs; shifts the reading frame from glycine 2681.
Molecular consequence: frameshift variant.
Genome position (GRCh38, 1-based): chr8:99,809,475-99,809,476, GT deleted. VCF-style (leftmost placement, unchanged base first): chr8-99809474-GGT-G. GRCh37 (hg19) VCF-style: chr8-100821702-GGT-G.
Other names: c.8117_8118delGT (NM_017890.4); c.8117_8118del (NM_017890.3); c.8117_8118del, p.Gly2706fs (NM_017890.5); short protein forms G2681fs, G2706fs.
Identifiers: ClinVar variation 459250 (VCV000459250.14), dbSNP rs1554560735, ClinGen allele CA658657815.

ClinVar aggregate classification (germline): Pathogenic/Likely pathogenic. Review status: criteria provided, multiple submitters, no conflicts (2 of 4 stars). 5 submissions from 5 submitters: Pathogenic (1); Likely pathogenic (3). 1 of the submissions does not count toward it. Last evaluated 2024-07-29.

Conditions:
VPS13B-related disorder. Also called: VPS13B-related condition.
Cohen syndrome (COH1). Also called: Cutis verticis gyrata, retinitis pigmentosa, and sensorineural deafness; PEPPER SYNDROME. Identifiers: Orphanet 193, MedGen C0265223, MONDO:0008999, OMIM 216550.

Allele frequency attached by ClinVar (database versions not stated): gnomAD exomes 0.00001.

Submissions (5):

GeneDx
Classification: Likely pathogenic. Last evaluated: 2024-07-29. Review status: criteria provided, single submitter. Criteria: GeneDx Variant Classification Process June 2021. Collection method: clinical testing. Allele origin: germline. Affected: yes.
Comment: Frameshift variant predicted to result in protein truncation or nonsense mediated decay in a gene for which loss of function is a known mechanism of disease; Not observed at significant frequency in large population cohorts (gnomAD); Has not been previously published as pathogenic or benign to our knowledge

Labcorp Genetics (formerly Invitae), Labcorp
Classification: Pathogenic for Cohen syndrome. Last evaluated: 2024-07-01. Review status: criteria provided, single submitter. Criteria: Invitae Variant Classification Sherloc (09022015). Collection method: clinical testing. Allele origin: germline.
Comment: This sequence change creates a premature translational stop signal (p.Gly2706Alafs*29) in the VPS13B gene. It is expected to result in an absent or disrupted protein product. Loss-of-function variants in VPS13B are known to be pathogenic (PMID: 15141358, 16648375, 20461111). This variant is not present in population databases (gnomAD no frequency). This variant has not been reported in the literature in individuals affected with VPS13B-related conditions. ClinVar contains an entry for this variant (Variation ID: 459250). For these reasons, this variant has been classified as Pathogenic.

Blueprint Genetics
Classification: Likely pathogenic for VPS13B-related disorders. Last evaluated: 2022-09-02. Review status: criteria provided, single submitter. Criteria: ACMG Guidelines, 2015. Collection method: clinical testing. Allele origin: germline. Affected: yes. Observed: 1 variant allele.

Greenwood Genetic Center Diagnostic Laboratories, Greenwood Genetic Center
Classification: Likely pathogenic. Last evaluated: 2020-11-16. Review status: criteria provided, single submitter. Criteria: ACMG Guidelines, 2015. Collection method: clinical testing. Allele origin: germline. Affected: yes.
Comment: PVS1, PM2

Counsyl
Classification: Likely pathogenic for Cohen syndrome. Last evaluated: 2015-04-08. Review status: no assertion criteria provided. Collection method: clinical testing. Allele origin: unknown. Not counted in ClinVar's aggregate classification.

Literature cited by the submitters: PubMed 15141358 (cited by Labcorp Genetics (formerly Invitae), Labcorp); PubMed 16648375 (cited by Labcorp Genetics (formerly Invitae), Labcorp); PubMed 20461111 (cited by Labcorp Genetics (formerly Invitae), Labcorp).